The following is an entry in ClinVar:

ClinVar aggregate classification (germline): Uncertain significance (1 of 4 stars; one submission).

Conditions:
Cardiovascular phenotype. Identifiers: MedGen CN230736.

Submission:

Ambry Genetics
Classification: Uncertain significance for Cardiovascular phenotype. Last evaluated: 2025-01-13. Review status: criteria provided, single submitter. Criteria: Ambry Variant Classification Scheme 2023. Collection method: clinical testing. Allele origin: germline.
Comment: The p.S621P variant (also known as c.1861T>C), located in coding exon 17 of the ANK2 gene, results from a T to C substitution at nucleotide position 1861. The serine at codon 621 is replaced by proline, an amino acid with similar properties. This amino acid position is conserved. In addition, this alteration is predicted to be deleterious by in silico analysis. Based on the available evidence, the clinical significance of this variant remains unclear.

NM_001148.6(ANK2):c.1861T>C (p.Ser621Pro)

Gene: ANK2 (ankyrin 2; plus strand). Cytogenetic location: 4q26.
Variant type: single nucleotide variant.
Coding change: c.1861T>C on transcript NM_001148.6 (MANE Select); coding-DNA position 1861, T replaced by C.
Protein change: p.Ser621Pro; replaces serine 621 with proline.
Molecular consequence: missense variant. On other transcripts: intron variant (10).
Genome position (GRCh38, 1-based): chr4:113,278,538, T>C. VCF-style: chr4-113278538-T-C. GRCh37 (hg19) VCF-style: chr4-114199694-T-C.
Other names: c.1798T>C, p.Ser600Pro (NM_001127493.3, NM_001354239.2, NM_001354243.2 and 10 more transcripts); c.1861T>C, p.Ser621Pro (NM_001354225.2, NM_001354228.2, NM_001354232.2 and 6 more transcripts); c.1906T>C, p.Ser636Pro (NM_001354230.2, NM_001354231.2, NM_001354237.2 and 5 more transcripts); c.1774T>C, p.Ser592Pro (NM_001354249.2, NM_001354264.2, NM_001354266.2 and 10 more transcripts); c.1819T>C, p.Ser607Pro (NM_001354261.2, NM_001386147.1, NM_001386160.1); c.1651T>C, p.Ser551Pro (NM_001354269.3); c.1663T>C, p.Ser555Pro (NM_001354273.2); c.1576T>C, p.Ser526Pro (NM_001354277.2, NM_001386157.1); and 8 more; short protein forms S526P, S551P, S592P, S617P, S630P, S555P, S607P, S621P.
Identifiers: ClinVar variation 3864047 (VCV003864047.1).